The following is an entry in ClinVar:

NM_006270.5(RRAS):c.563G>A (p.Arg188Gln)

Gene: RRAS (RAS related; minus strand). Cytogenetic location: 19q13.33.
Variant type: single nucleotide variant.
Coding change: c.563G>A on transcript NM_006270.5 (MANE Select); coding-DNA position 563, G replaced by A.
Protein change: p.Arg188Gln; replaces arginine 188 with glutamine.
Molecular consequence: missense variant.
Genome position (GRCh38, 1-based): chr19:49,635,743, C>T on the plus strand (G>A on the coding strand, the complement: RRAS is on the minus strand). VCF-style: chr19-49635743-C-T. GRCh37 (hg19) VCF-style: chr19-50139000-C-T.
Other names: c.563G>A (NM_006270.3); short protein forms R188Q.
Identifiers: ClinVar variation 928936 (VCV000928936.11), dbSNP rs374621936, ClinGen allele CA9578962.

ClinVar aggregate classification (germline): Conflicting classifications of pathogenicity. Review status: criteria provided, conflicting classifications (1 of 4 stars). 5 submissions from 5 submitters: Uncertain significance (3); Benign (1). 1 of the submissions does not count toward it. Last evaluated 2025-12-08.

Conditions:
RRAS-related disorder. Also called: RRAS-related condition.
Noonan syndrome (NS). Also called: Noonan's syndrome. Identifiers: Orphanet 648, MedGen C0028326, MeSH D009634, MONDO:0018997. Disease mechanism: gain of function.

Allele frequency attached by ClinVar (database versions not stated): 1000 Genomes Project 0.00020; 1000 Genomes Project 30x 0.00016; ESP Exome Variant Server 0.00008; TOPMed 0.00009.

Submissions (5):

Labcorp Genetics (formerly Invitae), Labcorp
Classification: Uncertain significance for Noonan syndrome. Last evaluated: 2025-12-08. Review status: criteria provided, single submitter. Criteria: Invitae Variant Classification Sherloc (09022015). Collection method: clinical testing. Allele origin: germline.
Comment: This sequence change replaces arginine, which is basic and polar, with glutamine, which is neutral and polar, at codon 188 of the RRAS protein (p.Arg188Gln). This variant is present in population databases (rs374621936, gnomAD 0.02%). This variant has not been reported in the literature in individuals affected with RRAS-related conditions. ClinVar contains an entry for this variant (Variation ID: 928936). An algorithm developed to predict the effect of missense changes on protein structure and function (PolyPhen-2) suggests that this variant is likely to be tolerated. In summary, the available evidence is currently insufficient to determine the role of this variant in disease. Therefore, it has been classified as a Variant of Uncertain Significance.

Ambry Genetics
Classification: Uncertain significance. Last evaluated: 2025-07-14. Review status: criteria provided, single submitter. Criteria: Ambry Variant Classification Scheme 2023. Collection method: clinical testing. Allele origin: germline.

St. Jude Molecular Pathology, St. Jude Children's Research Hospital
Classification: Uncertain significance for Noonan syndrome. Last evaluated: 2023-03-16. Review status: criteria provided, single submitter. Criteria: St. Jude Assertion Criteria 2020. Collection method: clinical testing. Allele origin: germline.
Comment: The RRAS c.563G>A (p.Arg188Gln) missense change has a maximum subpopulation frequency of 0.025% in gnomAD v2.1.1. The in silico tool REVEL is inconclusive about a pathogenic or benign effect of this variant on protein function, and to our knowledge functional studies have not been performed. To our knowledge, this variant has not been reported in individuals with Noonan syndrome. In summary, the evidence currently available is insufficient to determine the clinical significance of this variant. It has therefore been classified as of uncertain significance.

Women's Health and Genetics/Laboratory Corporation of America, LabCorp
Classification: Benign. Last evaluated: 2019-12-16. Review status: criteria provided, single submitter. Criteria: LabCorp Variant Classification Summary - May 2015. Collection method: clinical testing. Allele origin: germline.
Comment: Variant summary: RRAS c.563G>A (p.Arg188Gln) results in a conservative amino acid change in the encoded protein sequence. Three of five in-silico tools predict a benign effect of the variant on protein function. The variant allele was found at a frequency of 0.00015 in 246938 control chromosomes. The observed variant frequency is approximately 60 fold of the estimated maximal expected allele frequency for a pathogenic variant in RRAS causing Noonan Syndrome and Related Conditions phenotype (2.5e-06), strongly suggesting that the variant is benign. To our knowledge, no occurrence of c.563G>A in individuals affected with Noonan Syndrome and Related Conditions and no experimental evidence demonstrating its impact on protein function have been reported. No clinical diagnostic laboratories have submitted clinical-significance assessments for this variant to ClinVar after 2014. Based on the evidence outlined above, the variant was classified as benign.

PreventionGenetics, part of Exact Sciences
Classification: Uncertain significance for RRAS-related condition. Last evaluated: 2023-11-29. Review status: no assertion criteria provided. Collection method: clinical testing. Allele origin: germline. Not counted in ClinVar's aggregate classification.
Comment: The RRAS c.563G>A variant is predicted to result in the amino acid substitution p.Arg188Gln. To our knowledge, this variant has not been reported in the literature. This variant is reported in 0.025% of alleles in individuals of European (Non-Finnish) descent in gnomAD, which is likely too common to be an undocumented cause of disease (Gelb et al. 2018. PubMed ID 29493581). Although we suspect that this variant may be benign, at this time, the clinical significance of this variant is uncertain due to the absence of conclusive functional and genetic evidence.